The following is an entry in ClinVar:

NM_004646.4(NPHS1):c.2305C>T (p.Leu769Phe)

Gene: NPHS1 (NPHS1 adhesion molecule, nephrin; minus strand). Cytogenetic location: 19q13.12.
Variant type: single nucleotide variant.
Coding change: c.2305C>T on transcript NM_004646.4 (MANE Select); coding-DNA position 2305, C replaced by T.
Protein change: p.Leu769Phe; replaces leucine 769 with phenylalanine.
Molecular consequence: missense variant.
Genome position (GRCh38, 1-based): chr19:35,843,501, G>A on the plus strand (C>T on the coding strand, the complement: NPHS1 is on the minus strand). VCF-style: chr19-35843501-G-A. GRCh37 (hg19) VCF-style: chr19-36334403-G-A.
Other names: short protein forms L769F.
Identifiers: ClinVar variation 1430283 (VCV001430283.6), dbSNP rs747892169, ClinGen allele CA9390169.

ClinVar aggregate classification (germline): Uncertain significance (1 of 4 stars; one submission).

Allele frequency attached by ClinVar (database versions not stated): gnomAD exomes below 0.00001 and 0.00002; ExAC 0.00002.
gnomAD v4.1: 7 of 1,614,152 alleles (0.00043%); highest among the groups gnomAD compares: South Asian, 0.0044%; no homozygotes.

Submission:

Labcorp Genetics (formerly Invitae), Labcorp
Classification: Uncertain significance. Last evaluated: 2021-10-02. Review status: criteria provided, single submitter. Criteria: Invitae Variant Classification Sherloc (09022015). Collection method: clinical testing. Allele origin: germline.
Comment: This variant is present in population databases (rs747892169, ExAC 0.02%). In summary, the available evidence is currently insufficient to determine the role of this variant in disease. Therefore, it has been classified as a Variant of Uncertain Significance. Advanced modeling of protein sequence and biophysical properties (such as structural, functional, and spatial information, amino acid conservation, physicochemical variation, residue mobility, and thermodynamic stability) performed at Invitae indicates that this missense variant is not expected to disrupt NPHS1 protein function. This variant has not been reported in the literature in individuals affected with NPHS1-related conditions. This sequence change replaces leucine with phenylalanine at codon 769 of the NPHS1 protein (p.Leu769Phe). The leucine residue is moderately conserved and there is a small physicochemical difference between leucine and phenylalanine.